The following is an entry in ClinVar:

ClinVar aggregate classification (germline): Pathogenic (1 of 4 stars; one submission).

Submission:

Labcorp Genetics (formerly Invitae), Labcorp
Classification: Pathogenic. Last evaluated: 2022-09-06. Review status: criteria provided, single submitter. Criteria: Invitae Variant Classification Sherloc (09022015). Collection method: clinical testing. Allele origin: germline.
Comment: This sequence change creates a premature translational stop signal (p.Arg196Glufs*9) in the NPHS2 gene. It is expected to result in an absent or disrupted protein product. Loss-of-function variants in NPHS2 are known to be pathogenic (PMID: 10742096, 14701729, 15253708, 23595123). This variant is not present in population databases (gnomAD no frequency). This variant has not been reported in the literature in individuals affected with NPHS2-related conditions. For these reasons, this variant has been classified as Pathogenic.

Literature cited by the submitters: PubMed 10742096; PubMed 14701729; PubMed 15253708; PubMed 23595123.

NM_014625.4(NPHS2):c.586del (p.Arg196fs)

Gene: NPHS2 (NPHS2 stomatin family member, podocin; minus strand). Cytogenetic location: 1q25.2.
Variant type: Deletion.
Coding change: c.586del on transcript NM_014625.4 (MANE Select); coding-DNA position 586, one base deleted (C; older notation c.586delC).
Protein change: p.Arg196fs; shifts the reading frame from arginine 196.
Molecular consequence: frameshift variant. On other transcripts: intron variant (1).
Genome position (GRCh38, 1-based): chr1:179,557,179, G deleted on the plus strand (C on the coding strand, the reverse complement: NPHS2 is on the minus strand); the first of 2 consecutive G bases (chr1:179,557,179-179,557,180); deleting either gives the same sequence. VCF-style (leftmost placement, unchanged base first): chr1-179557178-CG-C. GRCh37 (hg19) VCF-style: chr1-179526313-CG-C.
Other names: c.534+2500del (NM_001297575.2); short protein forms R196fs.
Identifiers: ClinVar variation 2029307 (VCV002029307.4), dbSNP rs2526273372, ClinGen allele CA2580061533.